The following is an entry in ClinVar:

ClinVar aggregate classification (germline): Uncertain significance. Review status: criteria provided, multiple submitters, no conflicts (2 of 4 stars). 4 submissions from 4 submitters: Uncertain significance (3). 1 of the submissions does not count toward it. Last evaluated 2026-02-26.

Conditions:
Benign neonatal seizures. Also called: Convulsions benign familial neonatal dominant form; Autosomal dominant form of benign neonatal seizures; Benign familial neonatal seizures; Benign neonatal familial convulsions; Benign familial neonatal epilepsy. Identifiers: Orphanet 1949, MedGen C0220669, MONDO:0016027.
Inborn genetic diseases. Identifiers: MedGen C0950123, MeSH D030342.
Seizures, benign familial neonatal, 2. Also called: KCNQ3-Related Self-Limited Familial Neonatal Epilepsy (SLFNE); CONVULSIONS, BENIGN FAMILIAL NEONATAL, 2; Seizures, benign neonatal, 2; Benign Neonatal Epilepsy 2; KCNQ3-Related Benign Familial Neonatal Epilepsy. Identifiers: Orphanet 1949, MedGen C1852581, MONDO:0007366, OMIM 121201.

Allele frequency attached by ClinVar (database versions not stated): gnomAD 0.00001; TOPMed 0.00003.
gnomAD v4.1: 13 of 1,612,262 alleles (0.00081%); highest among the groups gnomAD compares: African/African-American, 0.0013%; no homozygotes.

Submissions (4):

Ambry Genetics
Classification: Uncertain significance for Inborn genetic diseases. Last evaluated: 2026-02-26. Review status: criteria provided, single submitter. Criteria: Ambry Variant Classification Scheme 2023. Collection method: clinical testing. Allele origin: germline.
Comment: The c.1520C>G (p.P507R) alteration is located in exon 11 (coding exon 11) of the KCNQ3 gene. This alteration results from a C to G substitution at nucleotide position 1520, causing the proline (P) at amino acid position 507 to be replaced by an arginine (R). Based on data from gnomAD, the G allele has an overall frequency of 0.001% (2/246862) total alleles studied. The highest observed frequency was 0.002% (2/110520) of European (non-Finnish) alleles. Based on insufficient or conflicting evidence, the clinical significance of this alteration remains unclear.

Labcorp Genetics (formerly Invitae), Labcorp
Classification: Uncertain significance for Benign neonatal seizures. Last evaluated: 2024-12-02. Review status: criteria provided, single submitter. Criteria: Invitae Variant Classification Sherloc (09022015). Collection method: clinical testing. Allele origin: germline.
Comment: This sequence change replaces proline, which is neutral and non-polar, with arginine, which is basic and polar, at codon 507 of the KCNQ3 protein (p.Pro507Arg). This variant is present in population databases (no rsID available, gnomAD 0.002%). This variant has not been reported in the literature in individuals affected with KCNQ3-related conditions. ClinVar contains an entry for this variant (Variation ID: 1002077). Invitae Evidence Modeling of protein sequence and biophysical properties (such as structural, functional, and spatial information, amino acid conservation, physicochemical variation, residue mobility, and thermodynamic stability) indicates that this missense variant is not expected to disrupt KCNQ3 protein function with a negative predictive value of 80%. In summary, the available evidence is currently insufficient to determine the role of this variant in disease. Therefore, it has been classified as a Variant of Uncertain Significance.

Blueprint Genetics
Classification: Uncertain significance. Last evaluated: 2022-08-17. Review status: criteria provided, single submitter. Criteria: ACMG Guidelines, 2015. Collection method: clinical testing. Allele origin: germline.

Department of Developmental Neurology, Medical University of Gdansk
No classification provided. Condition: Seizures, benign familial neonatal, 2. Review status: no classification provided. Collection method: phenotyping only. Allele origin: de novo. Inheritance: Autosomal dominant inheritance. Affected: yes. Observed: 1 heterozygote. Not counted in ClinVar's aggregate classification.

NM_004519.4(KCNQ3):c.1520C>G (p.Pro507Arg)

Gene: KCNQ3 (potassium voltage-gated channel subfamily Q member 3; minus strand). Cytogenetic location: 8q24.22.
Variant type: single nucleotide variant.
Coding change: c.1520C>G on transcript NM_004519.4 (MANE Select); coding-DNA position 1520, C replaced by G.
Protein change: p.Pro507Arg; replaces proline 507 with arginine.
Molecular consequence: missense variant.
Genome position (GRCh38, 1-based): chr8:132,140,124, G>C on the plus strand (C>G on the coding strand, the complement: KCNQ3 is on the minus strand). VCF-style: chr8-132140124-G-C. GRCh37 (hg19) VCF-style: chr8-133152371-G-C.
Other names: c.1520C>G (NM_004519.3); c.1160C>G, p.Pro387Arg (NM_001204824.2); short protein forms P387R, P507R.
Identifiers: ClinVar variation 1002077 (VCV001002077.13), dbSNP rs370333805, ClinGen allele CA372219653.
Genomic context (GRCh38, chr8:132,140,124, plus strand): 5'-TGGGGGCATTACCTGACGGCTCGGATGGCGGCCTTCAGGGTGGGGATCATGTCTTCGATG[G>C]GGAAGTCATTCCCATAGCCCCTGTCTTCCGCCATGGGGTCACCTGTCCCGGCATCTGGGA-3'
Protein context (NP_004510.1, residues 497-517): AEDRGYGNDF[Pro507Arg]IEDMIPTLKA